The following is an entry in ClinVar:

ClinVar aggregate classification (germline): Likely pathogenic (1 of 4 stars; one submission).

Submission:

CeGaT Center for Human Genetics Tuebingen
Classification: Likely pathogenic. Last evaluated: 2026-09-01. Review status: criteria provided, single submitter. Criteria: CeGaT Center For Human Genetics Tuebingen Variant Classification Criteria Version 2. Collection method: clinical testing. Allele origin: germline. Affected: yes. Observed: 1 variant allele.
Comment: KIF11: PVS1:Strong, PM2, PS2:Supporting

NM_004523.4(KIF11):c.32del (p.Lys11fs)

Gene: KIF11 (kinesin family member 11; plus strand). Cytogenetic location: 10q23.33.
Variant type: Deletion.
Coding change: c.32del on transcript NM_004523.4 (MANE Select); coding-DNA position 32, one base deleted (A; older notation c.32delA).
Protein change: p.Lys11fs; shifts the reading frame from lysine 11.
Molecular consequence: frameshift variant.
Genome position (GRCh38, 1-based): chr10:92,593,407, A deleted; the last of 2 consecutive A bases (chr10:92,593,406-92,593,407); deleting either gives the same sequence. VCF-style (leftmost placement, unchanged base first): chr10-92593405-GA-G. GRCh37 (hg19) VCF-style: chr10-94353162-GA-G.
Other names: short protein forms K11fs.
Identifiers: ClinVar variation 5041844 (VCV005041844.1).